The following is an entry in ClinVar:

NM_005732.4(RAD50):c.367C>T (p.His123Tyr)

Gene: RAD50 (RAD50 double strand break repair protein; plus strand). Cytogenetic location: 5q31.1.
Variant type: single nucleotide variant.
Coding change: c.367C>T on transcript NM_005732.4 (MANE Select); coding-DNA position 367, C replaced by T.
Protein change: p.His123Tyr; replaces histidine 123 with tyrosine.
Molecular consequence: missense variant.
Genome position (GRCh38, 1-based): chr5:132,579,318, C>T. VCF-style: chr5-132579318-C-T. GRCh37 (hg19) VCF-style: chr5-131915010-C-T.
Other names: short protein forms H123Y.
Identifiers: ClinVar variation 4149750 (VCV004149750.1).

ClinVar aggregate classification (germline): Uncertain significance (1 of 4 stars; one submission).

Conditions:
Hereditary cancer-predisposing syndrome. Also called: Hereditary neoplastic syndrome; Neoplastic Syndromes, Hereditary; Tumor predisposition; Hereditary Cancer Syndrome. Identifiers: Orphanet 140162, MedGen C0027672, MeSH D009386, MONDO:0015356.

Submission:

Ambry Genetics
Classification: Uncertain significance for Hereditary cancer-predisposing syndrome. Last evaluated: 2025-09-13. Review status: criteria provided, single submitter. Criteria: Ambry Variant Classification Scheme 2023. Collection method: clinical testing. Allele origin: germline.
Comment: The p.H123Y variant (also known as c.367C>T), located in coding exon 4 of the RAD50 gene, results from a C to T substitution at nucleotide position 367. The histidine at codon 123 is replaced by tyrosine, an amino acid with similar properties. This amino acid position is conserved. In addition, this alteration is predicted to be tolerated by in silico analysis. Based on the available evidence, the clinical significance of this variant remains unclear.